The following is an entry in ClinVar:

NM_172107.4(KCNQ2):c.199C>G (p.Pro67Ala)

Gene: KCNQ2 (potassium voltage-gated channel subfamily Q member 2; minus strand). Cytogenetic location: 20q13.33.
Variant type: single nucleotide variant.
Coding change: c.199C>G on transcript NM_172107.4 (MANE Select); coding-DNA position 199, C replaced by G.
Protein change: p.Pro67Ala; replaces proline 67 with alanine.
Molecular consequence: missense variant.
Genome position (GRCh38, 1-based): chr20:63,472,265, G>C on the plus strand (C>G on the coding strand, the complement: KCNQ2 is on the minus strand). VCF-style: chr20-63472265-G-C. GRCh37 (hg19) VCF-style: chr20-62103618-G-C.
Other names: c.199C>G, p.Pro67Ala (NM_004518.6, NM_172106.3, NM_172108.5 and 1 more transcripts); short protein forms P67A.
Identifiers: ClinVar variation 842102 (VCV000842102.10), dbSNP rs972841085, ClinGen allele CA409635221.

ClinVar aggregate classification (germline): Uncertain significance (1 of 4 stars; one submission).

Conditions:
Early-infantile DEE. Also called: Ohtahara syndrome; Early infantile epileptic encephalopathy with suppression bursts; Early infantile epileptic encephalopathy. Identifiers: Orphanet 1934, MedGen C0393706, MONDO:0800491.

Allele frequency attached by ClinVar (database versions not stated): TOPMed 0.00001.

Submission:

Labcorp Genetics (formerly Invitae), Labcorp
Classification: Uncertain significance for Early-infantile DEE. Last evaluated: 2025-07-18. Review status: criteria provided, single submitter. Criteria: Invitae Variant Classification Sherloc (09022015). Collection method: clinical testing. Allele origin: germline.
Comment: This sequence change replaces proline, which is neutral and non-polar, with alanine, which is neutral and non-polar, at codon 67 of the KCNQ2 protein (p.Pro67Ala). This variant is not present in population databases (gnomAD no frequency). This variant has not been reported in the literature in individuals affected with KCNQ2-related conditions. ClinVar contains an entry for this variant (Variation ID: 842102). Invitae Evidence Modeling of protein sequence and biophysical properties (such as structural, functional, and spatial information, amino acid conservation, physicochemical variation, residue mobility, and thermodynamic stability) indicates that this missense variant is expected to disrupt KCNQ2 protein function with a positive predictive value of 95%. In summary, the available evidence is currently insufficient to determine the role of this variant in disease. Therefore, it has been classified as a Variant of Uncertain Significance.